The following is an entry in ClinVar:

ClinVar aggregate classification (germline): Uncertain significance (1 of 4 stars; one submission).

Conditions:
Familial cancer of breast. Also called: BREAST CANCER, FAMILIAL; Hereditary breast cancer; hereditary breast carcinoma. Identifiers: Orphanet 227535, MedGen C0346153, MONDO:0016419, OMIM 114480. Disease mechanism: loss of function.
Fanconi anemia complementation group J. Also called: BRIP1-Related Fanconi Anemia. Identifiers: Orphanet 84, MedGen C1836860, MONDO:0012187, OMIM 609054.

Submission:

Labcorp Genetics (formerly Invitae), Labcorp
Classification: Uncertain significance for Familial cancer of breast; Fanconi anemia complementation group J. Last evaluated: 2022-09-22. Review status: criteria provided, single submitter. Criteria: Invitae Variant Classification Sherloc (09022015). Collection method: clinical testing. Allele origin: germline.
Comment: In summary, the available evidence is currently insufficient to determine the role of this variant in disease. Therefore, it has been classified as a Variant of Uncertain Significance. Advanced modeling of protein sequence and biophysical properties (such as structural, functional, and spatial information, amino acid conservation, physicochemical variation, residue mobility, and thermodynamic stability) performed at Invitae indicates that this missense variant is not expected to disrupt BRIP1 protein function. This variant has not been reported in the literature in individuals affected with BRIP1-related conditions. This variant is not present in population databases (gnomAD no frequency). This sequence change replaces glutamine, which is neutral and polar, with arginine, which is basic and polar, at codon 903 of the BRIP1 protein (p.Gln903Arg).

NM_032043.3(BRIP1):c.2708A>G (p.Gln903Arg)

Gene: BRIP1 (BRCA1 interacting DNA helicase 1; minus strand). Cytogenetic location: 17q23.2.
Variant type: single nucleotide variant.
Coding change: c.2708A>G on transcript NM_032043.3 (MANE Select); coding-DNA position 2708, A replaced by G.
Protein change: p.Gln903Arg; replaces glutamine 903 with arginine.
Molecular consequence: missense variant.
Genome position (GRCh38, 1-based): chr17:61,686,033, T>C on the plus strand (A>G on the coding strand, the complement: BRIP1 is on the minus strand). VCF-style: chr17-61686033-T-C. GRCh37 (hg19) VCF-style: chr17-59763394-T-C.
Other names: short protein forms Q903R.
Identifiers: ClinVar variation 1720034 (VCV001720034.5), dbSNP rs2061357542, ClinGen allele CA400481695.
Genomic context (GRCh38, chr17:61,686,033, plus strand): 5'-AGTAAATAAGGTGAGGTACTGTACTTTAAAGAGGTCACTTCAAGTGTAGACTCATTGTCC[T>C]GTATATTGGTTCTGTCCTTTATGGATACATTAAGAACTTTTTGATGCTTTTTGGAAAATT-3'
Protein context (NP_114432.2, residues 893-913): NVSIKDRTNI[Gln903Arg]DNESTLEVTS